The following is an entry in ClinVar:

NM_000166.6(GJB1):c.655C>A (p.Arg219Ser)

Gene: GJB1 (gap junction protein beta 1; plus strand). Cytogenetic location: Xq13.1.
Variant type: single nucleotide variant.
Coding change: c.655C>A on transcript NM_000166.6 (MANE Select); coding-DNA position 655, C replaced by A.
Protein change: p.Arg219Ser; replaces arginine 219 with serine.
Molecular consequence: missense variant.
Genome position (GRCh38, 1-based): chrX:71,224,362, C>A. VCF-style: chrX-71224362-C-A. GRCh37 (hg19) VCF-style: chrX-70444212-C-A.
Other names: c.655C>A, p.Arg219Ser (NM_001097642.3, NM_001440770.1); short protein forms R219S.
Identifiers: ClinVar variation 4749399 (VCV004749399.1).

ClinVar aggregate classification (germline): Uncertain significance (1 of 4 stars; one submission).

Conditions:
Charcot-Marie-Tooth Neuropathy X. Identifiers: MedGen CN118851.

Submission:

Labcorp Genetics (formerly Invitae), Labcorp
Classification: Uncertain significance for Charcot-Marie-Tooth Neuropathy X. Last evaluated: 2025-12-22. Review status: criteria provided, single submitter. Criteria: Invitae Variant Classification Sherloc (09022015). Collection method: clinical testing. Allele origin: germline.
Comment: This sequence change replaces arginine, which is basic and polar, with serine, which is neutral and polar, at codon 219 of the GJB1 protein (p.Arg219Ser). This variant is present in population databases (rs144381053, gnomAD 0.02%). This variant has not been reported in the literature in individuals affected with GJB1-related conditions. Invitae Evidence Modeling of protein sequence and biophysical properties (such as structural, functional, and spatial information, amino acid conservation, physicochemical variation, residue mobility, and thermodynamic stability) has been performed for this missense variant. However, the output from this modeling did not meet the statistical confidence thresholds required to predict the impact of this variant on GJB1 protein function. In summary, the available evidence is currently insufficient to determine the role of this variant in disease. Therefore, it has been classified as a Variant of Uncertain Significance.